The following is an entry in ClinVar:

NM_006767.4(LZTR1):c.1489_1491dup (p.Pro497_Gly498insPro)

Gene: LZTR1 (leucine zipper like post translational regulator 1; plus strand). Cytogenetic location: 22q11.21.
Variant type: Duplication.
Coding change: c.1489_1491dup on transcript NM_006767.4 (MANE Select); coding-DNA positions 1489 to 1491, 3 bases duplicated (CCC; older notation c.1489_1491dupCCC).
Protein change: p.Pro497_Gly498insPro.
Genome position (GRCh38, 1-based): chr22:20,994,143-20,994,145, CCC duplicated; duplicating any 3 consecutive bases within chr22:20,994,141-20,994,145 gives the same sequence; the c. name uses the placement nearest the transcript's 3' end. VCF-style (leftmost placement, unchanged base first): chr22-20994140-G-GCCC. GRCh37 (hg19) VCF-style: chr22-21348429-G-GCCC.
Identifiers: ClinVar variation 3893289 (VCV003893289.1).

ClinVar aggregate classification (germline): Uncertain significance (1 of 4 stars; one submission).

Conditions:
Noonan syndrome 10 (NS10). Identifiers: Orphanet 648, MedGen C4225280, MONDO:0014693, OMIM 616564.

Submission:

Diagnostics Services (NGS), CSIR - Centre For Cellular And Molecular Biology
Classification: Uncertain significance for Noonan syndrome 10. Last evaluated: 2025-04-21. Review status: criteria provided, single submitter. Criteria: ACMG Guidelines, 2015. Collection method: clinical testing. Allele origin: unknown. Affected: yes. Observed: 1 variant allele, 1 heterozygote.
Comment: The c.1489_1491dup variant is not present in publicly available population databases like 1000 Genomes, EVS, gnomAD, Indian Exome Database or our internal database. This variant has neither been published in literature in individuals affected with LZTR1-related conditions nor reported to the clinical databases like Human Genome Mutation Database (HGMD), ClinVar or OMIM in any affected individuals. Predictions from different in-silico pathogenicity prediction programs like MutationTaster2021, CADD, Franklin, Varsome etc are contradictory. This variant causes in-frame insertion of a single amino acid that changes the protein length.